The following is an entry in ClinVar:

NM_147127.5(EVC2):c.1470+6A>G

Genes: EVC2 (EvC ciliary complex subunit 2; minus strand), LOC126806961 (BRD4-independent group 4 enhancer GRCh37_chr4:5641443-5642642; plus strand). Cytogenetic location: 4p16.2.
Variant type: single nucleotide variant.
Coding change: c.1470+6A>G on transcript NM_147127.5 (MANE Select); 6 bases into the intron after coding-DNA position 1470, A replaced by G.
Molecular consequence: intron variant.
Genome position (GRCh38, 1-based): chr4:5,640,508, T>C on the plus strand (A>G on the coding strand, the complement: EVC2 is on the minus strand). VCF-style: chr4-5640508-T-C. GRCh37 (hg19) VCF-style: chr4-5642235-T-C.
Other names: c.1230+6A>G (NM_001166136.2).
Identifiers: ClinVar variation 2142485 (VCV002142485.3), dbSNP rs1181688094, ClinGen allele CA549707358.

ClinVar aggregate classification (germline): Uncertain significance. Review status: criteria provided, multiple submitters, no conflicts (2 of 4 stars). 2 submissions from 2 submitters: Uncertain significance (2). Last evaluated 2024-07-28.

Conditions:
Curry-Hall syndrome (WAD). Also called: WEYERS ACRODENTAL DYSOSTOSIS. Identifiers: Orphanet 952, MedGen C0457013, MONDO:0008673, OMIM 193530.
Ellis-van Creveld syndrome (EVC). Also called: MESOECTODERMAL DYSPLASIA; EVC-Related Ellis-van Creveld Syndrome; EVC2-Related Ellis-van Creveld Syndrome; Chondroectodermal dysplasia. Identifiers: Orphanet 289, MedGen C0013903, MONDO:0009162, OMIM 225500.

Allele frequency attached by ClinVar (database versions not stated): gnomAD exomes below 0.00001; TOPMed below 0.00001.
gnomAD v4.1: 7 of 1,614,058 alleles (0.00043%); highest among the groups gnomAD compares: Non-Finnish European, 0.00025%; no homozygotes.

Submissions (2):

Women's Health and Genetics/Laboratory Corporation of America, LabCorp
Classification: Uncertain significance. Last evaluated: 2024-07-28. Review status: criteria provided, single submitter. Criteria: LabCorp Variant Classification Summary - May 2015. Collection method: clinical testing. Allele origin: germline.

Labcorp Genetics (formerly Invitae), Labcorp
Classification: Uncertain significance for Curry-Hall syndrome; Ellis-van Creveld syndrome. Last evaluated: 2021-09-01. Review status: criteria provided, single submitter. Criteria: Invitae Variant Classification Sherloc (09022015). Collection method: clinical testing. Allele origin: germline.
Comment: This sequence change falls in intron 10 of the EVC2 gene. It does not directly change the encoded amino acid sequence of the EVC2 protein. It affects a nucleotide within the consensus splice site of the intron. This variant is not present in population databases (ExAC no frequency). This variant has not been reported in the literature in individuals affected with EVC2-related conditions. Variants that disrupt the consensus splice site are a relatively common cause of aberrant splicing (PMID: 17576681, 9536098). Algorithms developed to predict the effect of sequence changes on RNA splicing suggest that this variant is not likely to affect RNA splicing. In summary, the available evidence is currently insufficient to determine the role of this variant in disease. Therefore, it has been classified as a Variant of Uncertain Significance.

Literature cited by the submitters: PubMed 17576681 (cited by Labcorp Genetics (formerly Invitae), Labcorp); PubMed 9536098 (cited by Labcorp Genetics (formerly Invitae), Labcorp).